The following is an entry in ClinVar:

NM_004380.3(CREBBP):c.981G>T (p.Gln327His)

Gene: CREBBP (CREB binding protein; minus strand). Cytogenetic location: 16p13.3.
Variant type: single nucleotide variant.
Coding change: c.981G>T on transcript NM_004380.3 (MANE Select); coding-DNA position 981, G replaced by T.
Protein change: p.Gln327His; replaces glutamine 327 with histidine.
Molecular consequence: missense variant.
Genome position (GRCh38, 1-based): chr16:3,793,621, C>A on the plus strand (G>T on the coding strand, the complement: CREBBP is on the minus strand). VCF-style: chr16-3793621-C-A. GRCh37 (hg19) VCF-style: chr16-3843622-C-A.
Other names: c.981G>T, p.Gln327His (NM_001079846.1); short protein forms Q327H.
Identifiers: ClinVar variation 3373276 (VCV003373276.1).

ClinVar aggregate classification (germline): Uncertain significance (1 of 4 stars; one submission).

Submission:

GeneDx
Classification: Uncertain significance. Last evaluated: 2024-04-30. Review status: criteria provided, single submitter. Criteria: GeneDx Variant Classification Process June 2021. Collection method: clinical testing. Allele origin: germline. Affected: yes.
Comment: Not observed at significant frequency in large population cohorts (gnomAD); In silico analysis supports that this missense variant has a deleterious effect on protein structure/function; Has not been previously published as pathogenic or benign to our knowledge